The following is an entry in ClinVar:

NM_000384.3(APOB):c.808T>C (p.Phe270Leu)

Gene: APOB (apolipoprotein B; minus strand). Cytogenetic location: 2p24.1.
Variant type: single nucleotide variant.
Coding change: c.808T>C on transcript NM_000384.3 (MANE Select); coding-DNA position 808, T replaced by C.
Protein change: p.Phe270Leu; replaces phenylalanine 270 with leucine.
Molecular consequence: missense variant.
Genome position (GRCh38, 1-based): chr2:21,035,594, A>G on the plus strand (T>C on the coding strand, the complement: APOB is on the minus strand). VCF-style: chr2-21035594-A-G. GRCh37 (hg19) VCF-style: chr2-21258466-A-G.
Other names: short protein forms F270L.
Identifiers: ClinVar variation 4055858 (VCV004055858.2).

ClinVar aggregate classification (germline): Uncertain significance. Review status: criteria provided, multiple submitters, no conflicts (2 of 4 stars). 2 submissions from 2 submitters: Uncertain significance (2). Last evaluated 2025-06-15.

Conditions:
Familial hypobetalipoproteinemia 1. Also called: APOB-Related Familial Hypobetalipoproteinemia; Hypobetalipoproteinemia, normotriglyceridemic; Acanthocytosis with hypobetalipoproteinemia. Identifiers: MedGen C4551990, MONDO:0014252, OMIM 615558.
Hypercholesterolemia, autosomal dominant, type B (FHCL2). Also called: APOB-Related Familial Hypercholesterolemia, Autosomal Dominant; Familial Hypercholesterolemia Type B; APOLIPOPROTEIN B-100, FAMILIAL DEFECTIVE; APOLIPOPROTEIN B-100, FAMILIAL LIGAND-DEFECTIVE; HYPERCHOLESTEROLEMIA, FAMILIAL, DUE TO LIGAND-DEFECTIVE APOLIPOPROTEIN B; Familial hypercholesterolemia 2. Identifiers: MedGen C1704417, MONDO:0007751, OMIM 144010.

Submissions (2):

Labcorp Genetics (formerly Invitae), Labcorp
Classification: Uncertain significance for Familial hypobetalipoproteinemia 1; Hypercholesterolemia, autosomal dominant, type B. Last evaluated: 2025-06-15. Review status: criteria provided, single submitter. Criteria: Invitae Variant Classification Sherloc (09022015). Collection method: clinical testing. Allele origin: germline.
Comment: This sequence change replaces phenylalanine, which is neutral and non-polar, with leucine, which is neutral and non-polar, at codon 270 of the APOB protein (p.Phe270Leu). This variant is not present in population databases (gnomAD no frequency). This variant has not been reported in the literature in individuals affected with APOB-related conditions. Invitae Evidence Modeling of protein sequence and biophysical properties (such as structural, functional, and spatial information, amino acid conservation, physicochemical variation, residue mobility, and thermodynamic stability) indicates that this missense variant is not expected to disrupt APOB protein function with a negative predictive value of 95%. In summary, the available evidence is currently insufficient to determine the role of this variant in disease. Therefore, it has been classified as a Variant of Uncertain Significance.

GeneDx
Classification: Uncertain significance. Last evaluated: 2024-12-31. Review status: criteria provided, single submitter. Criteria: GeneDx Variant Classification Process June 2021. Collection method: clinical testing. Allele origin: germline. Affected: yes.
Comment: Not observed at significant frequency in large population cohorts (gnomAD); In silico analysis supports that this missense variant has a deleterious effect on protein structure/function; Has not been previously published as pathogenic or benign to our knowledge